The following is an entry in ClinVar:

ClinVar aggregate classification (germline): Uncertain significance (1 of 4 stars; one submission).

Submission:

Labcorp Genetics (formerly Invitae), Labcorp
Classification: Uncertain significance. Last evaluated: 2022-01-19. Review status: criteria provided, single submitter. Criteria: Invitae Variant Classification Sherloc (09022015). Collection method: clinical testing. Allele origin: germline.
Comment: In summary, the available evidence is currently insufficient to determine the role of this variant in disease. Therefore, it has been classified as a Variant of Uncertain Significance. This sequence change replaces valine, which is neutral and non-polar, with methionine, which is neutral and non-polar, at codon 205 of the SLC20A2 protein (p.Val205Met). This variant also falls at the last nucleotide of exon 5, which is part of the consensus splice site for this exon. This variant is not present in population databases (gnomAD no frequency). This missense change has been observed in individual(s) with primary basal ganglia calcification 1 (PMID: 30776674). Algorithms developed to predict the effect of missense changes on protein structure and function are either unavailable or do not agree on the potential impact of this missense change (SIFT: "Tolerated"; PolyPhen-2: "Possibly Damaging"; Align-GVGD: "Class C0"). Variants that disrupt the consensus splice site are a relatively common cause of aberrant splicing (PMID: 17576681, 9536098). Algorithms developed to predict the effect of sequence changes on RNA splicing suggest that this variant may disrupt the consensus splice site.

Literature cited by the submitters: PubMed 30776674; PubMed 17576681; PubMed 9536098.

NM_001257180.2(SLC20A2):c.613G>A (p.Val205Met)

Gene: SLC20A2 (solute carrier family 20 member 2; minus strand). Cytogenetic location: 8p11.21.
Variant type: single nucleotide variant.
Coding change: c.613G>A on transcript NM_001257180.2 (MANE Select); coding-DNA position 613, G replaced by A.
Protein change: p.Val205Met; replaces valine 205 with methionine.
Molecular consequence: missense variant.
Genome position (GRCh38, 1-based): chr8:42,459,896, C>T on the plus strand (G>A on the coding strand, the complement: SLC20A2 is on the minus strand). VCF-style: chr8-42459896-C-T. GRCh37 (hg19) VCF-style: chr8-42317414-C-T.
Other names: c.613G>A, p.Val205Met (NM_001257181.2, NM_006749.5); short protein forms V205M.
Identifiers: ClinVar variation 2169534 (VCV002169534.4), dbSNP rs2487491269, ClinGen allele CA371085039.